The following is an entry in ClinVar:

ClinVar aggregate classification (germline): Pathogenic (1 of 4 stars; one submission).

Conditions:
Familial adenomatous polyposis 1 (FAP1). Also called: POLYPOSIS, ADENOMATOUS INTESTINAL; FAMILIAL ADENOMATOUS POLYPOSIS 1, ATTENUATED. Identifiers: MedGen C2713442, MONDO:0021056, OMIM 175100. Disease mechanism: loss of function.

Submission:

Labcorp Genetics (formerly Invitae), Labcorp
Classification: Pathogenic for Familial adenomatous polyposis 1. Last evaluated: 2023-02-14. Review status: criteria provided, single submitter. Criteria: Invitae Variant Classification Sherloc (09022015). Collection method: clinical testing. Allele origin: germline.
Comment: This sequence change creates a premature translational stop signal (p.Ile228Profs*14) in the APC gene. It is expected to result in an absent or disrupted protein product. Loss-of-function variants in APC are known to be pathogenic (PMID: 17963004, 20685668). This variant is not present in population databases (gnomAD no frequency). This variant has not been reported in the literature in individuals affected with APC-related conditions. For these reasons, this variant has been classified as Pathogenic.

Literature cited by the submitters: PubMed 17963004; PubMed 20685668.

NM_000038.6(APC):c.682_710del (p.Ile228fs)

Gene: APC (APC regulator of Wnt signaling pathway; plus strand). Cytogenetic location: 5q22.2.
Variant type: Deletion.
Coding change: c.682_710del on transcript NM_000038.6 (MANE Select); coding-DNA positions 682 to 710, 29 bases deleted (ATACTTCGTATACGACAGCTTTTACAGTC).
Protein change: p.Ile228fs; shifts the reading frame from isoleucine 228.
Molecular consequence: frameshift variant. On other transcripts: 5 prime UTR variant (4), non-coding transcript variant (2), intron variant (5).
Genome position (GRCh38, 1-based): chr5:112,792,482-112,792,510, ATACTTCGTATACGACAGCTTTTACAGTC deleted; deleting any 29 consecutive bases within chr5:112,792,481-112,792,510 gives the same sequence; the c. name uses the placement nearest the transcript's 3' end. VCF-style (leftmost placement, unchanged base first): chr5-112792480-ACATACTTCGTATACGACAGCTTTTACAGT-A. GRCh37 (hg19) VCF-style: chr5-112128177-ACATACTTCGTATACGACAGCTTTTACAGT-A.
Other names: c.682_710del, p.Ile228fs (NM_001127510.3, NM_001354895.2, NM_001354896.2 and 12 more transcripts); c.712_740del, p.Ile238fs (NM_001354897.2, NM_001354902.2, NM_001407446.1); c.607_635del, p.Ile203fs (NM_001354898.2, NM_001354904.2, NM_001407451.1); c.505_533del, p.Ile169fs (NM_001354900.2, NM_001354901.2, NM_001354905.2 and 1 more transcripts); c.-354_-326del (NM_001354906.2, NM_001407470.1, NM_001407471.1 and 1 more transcripts); c.646-8797_646-8769del (NM_001407452.1, NM_001407469.1, NM_001354899.2 and 1 more transcripts); c.676-8797_676-8769del (NM_001127511.3); short protein forms I238fs, I228fs, I203fs, I169fs.
Identifiers: ClinVar variation 2836863 (VCV002836863.3), dbSNP rs2532632649, ClinGen allele CA2739274976.
Genomic context (GRCh38, chr5:112,792,480, plus strand): 5'-TAATTAGGTTTCTTGTTTTATTTTAGCGAAGAATAGCCAGAATTCAGCAAATCGAAAAGG[ACATACTTCGTATACGACAGCTTTTACAGT>A]CCCAAGCAACAGAAGCAGAGGTTAGTAAATTGCCTTTCTTGTTTGTGGGTATAAAAATAG-3'